The following is an entry in ClinVar:

NM_001927.4(DES):c.399C>G (p.Asn133Lys)

Gene: DES (desmin; plus strand). Cytogenetic location: 2q35.
Variant type: single nucleotide variant.
Coding change: c.399C>G on transcript NM_001927.4 (MANE Select); coding-DNA position 399, C replaced by G.
Protein change: p.Asn133Lys; replaces asparagine 133 with lysine.
Molecular consequence: missense variant.
Genome position (GRCh38, 1-based): chr2:219,418,861, C>G. VCF-style: chr2-219418861-C-G. GRCh37 (hg19) VCF-style: chr2-220283583-C-G.
Other names: c.399C>G, p.Asn133Lys (NM_001382708.1, NM_001382709.1, NM_001382710.1 and 3 more transcripts); short protein forms N133K.
Identifiers: ClinVar variation 4792134 (VCV004792134.1).

ClinVar aggregate classification (germline): Uncertain significance (1 of 4 stars; one submission).

Conditions:
Desmin-related myofibrillar myopathy (MFM1). Also called: Desminopathy; Desmin related myopathy (former name); Desmin storage myopathy (former name); Myofibrillar myopathy 1; MYOFIBRILLAR MYOPATHY WITH ARRHYTHMOGENIC RIGHT VENTRICULAR CARDIOMYOPATHY; DESMIN-RELATED MYOPATHY WITH ARRHYTHMOGENIC RIGHT VENTRICULAR CARDIOMYOPATHY. Identifiers: Orphanet 363543, Orphanet 98909, MedGen C1832370, MONDO:0011076, OMIM 601419.

Submission:

Labcorp Genetics (formerly Invitae), Labcorp
Classification: Uncertain significance for Desmin-related myofibrillar myopathy. Last evaluated: 2025-08-24. Review status: criteria provided, single submitter. Criteria: Invitae Variant Classification Sherloc (09022015). Collection method: clinical testing. Allele origin: germline.
Comment: This sequence change replaces asparagine, which is neutral and polar, with lysine, which is basic and polar, at codon 133 of the DES protein (p.Asn133Lys). This variant is not present in population databases (gnomAD no frequency). This variant has not been reported in the literature in individuals affected with DES-related conditions. Invitae Evidence Modeling of protein sequence and biophysical properties (such as structural, functional, and spatial information, amino acid conservation, physicochemical variation, residue mobility, and thermodynamic stability) has been performed for this missense variant. However, the output from this modeling did not meet the statistical confidence thresholds required to predict the impact of this variant on DES protein function. In summary, the available evidence is currently insufficient to determine the role of this variant in disease. Therefore, it has been classified as a Variant of Uncertain Significance.